The following is an entry in ClinVar:

ClinVar aggregate classification (germline): Uncertain significance (1 of 4 stars; one submission).

Submission:

Labcorp Genetics (formerly Invitae), Labcorp
Classification: Uncertain significance. Last evaluated: 2024-06-22. Review status: criteria provided, single submitter. Criteria: Invitae Variant Classification Sherloc (09022015). Collection method: clinical testing. Allele origin: germline.
Comment: This sequence change replaces aspartic acid, which is acidic and polar, with asparagine, which is neutral and polar, at codon 1192 of the TOP2B protein (p.Asp1192Asn). This variant is not present in population databases (gnomAD no frequency). This variant has not been reported in the literature in individuals affected with TOP2B-related conditions. An algorithm developed to predict the effect of missense changes on protein structure and function (PolyPhen-2) suggests that this variant is likely to be tolerated. In summary, the available evidence is currently insufficient to determine the role of this variant in disease. Therefore, it has been classified as a Variant of Uncertain Significance.

NM_001330700.2(TOP2B):c.3589G>A (p.Asp1197Asn)

Gene: TOP2B (DNA topoisomerase II beta; minus strand). Cytogenetic location: 3p24.2.
Variant type: single nucleotide variant.
Coding change: c.3589G>A on transcript NM_001330700.2 (MANE Select); coding-DNA position 3589, G replaced by A.
Protein change: p.Asp1197Asn; replaces aspartic acid 1197 with asparagine.
Molecular consequence: missense variant.
Genome position (GRCh38, 1-based): chr3:25,615,207, C>T on the plus strand (G>A on the coding strand, the complement: TOP2B is on the minus strand). VCF-style: chr3-25615207-C-T. GRCh37 (hg19) VCF-style: chr3-25656698-C-T.
Other names: c.3574G>A, p.Asp1192Asn (NM_001068.3); short protein forms D1192N, D1197N.
Identifiers: ClinVar variation 3657438 (VCV003657438.2).